The following is an entry in ClinVar:

NM_007078.3(LDB3):c.246-162C>T

Gene: LDB3 (LIM domain binding 3; plus strand). Cytogenetic location: 10q23.2.
Variant type: single nucleotide variant.
Coding change: c.246-162C>T on transcript NM_007078.3 (MANE Select); 162 bases into the intron before coding-DNA position 246, C replaced by T.
Molecular consequence: intron variant.
Genome position (GRCh38, 1-based): chr10:86,679,920, C>T. VCF-style: chr10-86679920-C-T. GRCh37 (hg19) VCF-style: chr10-88439677-C-T.
Other names: c.246-162C>T (NM_001368064.1, NM_001368063.1, NM_001368068.1 and 8 more transcripts).
Identifiers: ClinVar variation 676041 (VCV000676041.2), dbSNP rs75738068, ClinGen allele CA13294410.

ClinVar aggregate classification (germline): Benign. Review status: criteria provided, multiple submitters, no conflicts (2 of 4 stars). 2 submissions from 2 submitters: Benign (2). Last evaluated 2018-06-19.

Allele frequency attached by ClinVar (database versions not stated): 1000 Genomes Project 0.01298; 1000 Genomes Project 30x 0.01499; gnomAD 0.01685 and 0.01817; TOPMed 0.01840.
gnomAD v4.1: 2,534 of 152,322 alleles (1.7%); highest among the groups gnomAD compares: African/African-American, 5.8%; 93 homozygotes.

Submissions (2):

GeneDx
Classification: Benign. Last evaluated: 2018-06-19. Review status: criteria provided, single submitter. Criteria: GeneDx Variant Classification (06012015). Collection method: clinical testing. Allele origin: germline. Affected: yes.
Comment: This variant is considered likely benign or benign based on one or more of the following criteria: it is a conservative change, it occurs at a poorly conserved position in the protein, it is predicted to be benign by multiple in silico algorithms, and/or has population frequency not consistent with disease.

Breakthrough Genomics
Classification: Benign. Review status: criteria provided, single submitter. Criteria: ACMG Guidelines, 2015. Collection method: not provided. Allele origin: germline. Inheritance: Autosomal dominant inheritance. Affected: yes.